The following is an entry in ClinVar:

NM_000135.4(FANCA):c.858G>T (p.Gln286His)

Gene: FANCA (FA complementation group A; minus strand). Cytogenetic location: 16q24.3.
Variant type: single nucleotide variant.
Coding change: c.858G>T on transcript NM_000135.4 (MANE Select); coding-DNA position 858, G replaced by T.
Protein change: p.Gln286His; replaces glutamine 286 with histidine.
Molecular consequence: missense variant.
Genome position (GRCh38, 1-based): chr16:89,799,201, C>A on the plus strand (G>T on the coding strand, the complement: FANCA is on the minus strand). VCF-style: chr16-89799201-C-A. GRCh37 (hg19) VCF-style: chr16-89865609-C-A.
Other names: c.858G>T, p.Gln286His (NM_001018112.3, NM_001286167.3); c.762G>T, p.Gln254His (NM_001351830.2); short protein forms Q254H, Q286H.
Identifiers: ClinVar variation 4619309 (VCV004619309.1).
Genomic context (GRCh38, chr16:89,799,201, plus strand): 5'-AGGCAGGCCACCCTCAGGAACATACCAGCACCTCACGATCTTGTGAGTGGAGGACTCCTC[C>A]TGTACTCCAGCAGCCAAAGCGTCAAGTGCAACTGAAGACAGAGCCAGGAACAGAAAACAG-3'
Protein context (NP_000126.2, residues 276-296): FALDALAAGV[Gln286His]EESSTHKIVR

ClinVar aggregate classification (germline): Uncertain significance (1 of 4 stars; one submission).

Conditions:
Inborn genetic diseases. Identifiers: MedGen C0950123, MeSH D030342.

Submission:

Ambry Genetics
Classification: Uncertain significance for Inborn genetic diseases. Last evaluated: 2025-12-07. Review status: criteria provided, single submitter. Criteria: Ambry Variant Classification Scheme 2023. Collection method: clinical testing. Allele origin: germline.
Comment: The p.Q286H variant (also known as c.858G>T), located in coding exon 10 of the FANCA gene, results from a G to T substitution at nucleotide position 858. The glutamine at codon 286 is replaced by histidine, an amino acid with highly similar properties. This amino acid position is conserved. In addition, this alteration is predicted to be tolerated by in silico analysis. Based on the available evidence, the clinical significance of this variant remains unclear.